The following is an entry in ClinVar:

NM_001112741.2(KCNC1):c.347A>C (p.Glu116Ala)

Gene: KCNC1 (potassium voltage-gated channel subfamily C member 1; plus strand). Cytogenetic location: 11p15.1.
Variant type: single nucleotide variant.
Coding change: c.347A>C on transcript NM_001112741.2 (MANE Select); coding-DNA position 347, A replaced by C.
Protein change: p.Glu116Ala; replaces glutamic acid 116 with alanine.
Molecular consequence: missense variant.
Genome position (GRCh38, 1-based): chr11:17,736,349, A>C. VCF-style: chr11-17736349-A-C. GRCh37 (hg19) VCF-style: chr11-17757896-A-C.
Other names: c.347A>C, p.Glu116Ala (NM_004976.4); short protein forms E116A.
Identifiers: ClinVar variation 4070602 (VCV004070602.1).
Genomic context (GRCh38, chr11:17,736,349, plus strand): 5'-TCGACGAGACCGACGTGGAGCCCTGCTGCTGGATGACGTACCGCCAGCACCGCGACGCCG[A>C]GGAGGCTCTGGACAGCTTCGGCGGCGCTCCTCTGGACAACAGCGCCGACGACGCGGACGC-3'
Protein context (NP_001106212.1, residues 106-126): WMTYRQHRDA[Glu116Ala]EALDSFGGAP

ClinVar aggregate classification (germline): Uncertain significance (1 of 4 stars; one submission).

Submission:

GeneDx
Classification: Uncertain significance. Last evaluated: 2025-01-15. Review status: criteria provided, single submitter. Criteria: GeneDx Variant Classification Process June 2021. Collection method: clinical testing. Allele origin: germline. Affected: yes.
Comment: Published functional studies suggest p.(E116A) has a mild effect on KCNC1 protein function (PMID: 35840580); In silico analysis supports that this missense variant has a deleterious effect on protein structure/function; Not observed at significant frequency in large population cohorts (gnomAD); This variant is associated with the following publications: (PMID: 35840580)